The following is an entry in ClinVar:

ClinVar aggregate classification (germline): Uncertain significance. Review status: criteria provided, multiple submitters, no conflicts (2 of 4 stars). 3 submissions from 3 submitters: Uncertain significance (3). Last evaluated 2026-10-19.

Conditions:
Inborn genetic diseases. Identifiers: MedGen C0950123, MeSH D030342.

Allele frequency attached by ClinVar (database versions not stated): gnomAD 0.00019 and 0.00021; ExAC 0.00014; TOPMed 0.00015.
gnomAD v4.1: 45 of 1,551,540 alleles (0.0029%); highest among the groups gnomAD compares: African/African-American, 0.06%; no homozygotes.

Submissions (3):

GeneDx
Classification: Uncertain significance. Last evaluated: 2026-10-19. Review status: criteria provided, single submitter. Criteria: GeneDx Variant Classification Process June 2021. Collection method: clinical testing. Allele origin: germline.
Comment: In silico analysis suggests that this missense variant does not alter protein structure/function; Has not been previously published as pathogenic or benign to our knowledge

Labcorp Genetics (formerly Invitae), Labcorp
Classification: Uncertain significance. Last evaluated: 2026-01-05. Review status: criteria provided, single submitter. Criteria: Invitae Variant Classification Sherloc (09022015). Collection method: clinical testing. Allele origin: germline.
Comment: This sequence change replaces valine, which is neutral and non-polar, with leucine, which is neutral and non-polar, at codon 421 of the UNC80 protein (p.Val421Leu). This variant is present in population databases (rs778162811, gnomAD 0.06%). This variant has not been reported in the literature in individuals affected with UNC80-related conditions. ClinVar contains an entry for this variant (Variation ID: 1434558). An algorithm developed to predict the effect of missense changes on protein structure and function (PolyPhen-2) suggests that this variant is likely to be disruptive. In summary, the available evidence is currently insufficient to determine the role of this variant in disease. Therefore, it has been classified as a Variant of Uncertain Significance.

Ambry Genetics
Classification: Uncertain significance for Inborn genetic diseases. Last evaluated: 2025-04-03. Review status: criteria provided, single submitter. Criteria: Ambry Variant Classification Scheme 2023. Collection method: clinical testing. Allele origin: germline.

NM_001371986.1(UNC80):c.1261G>C (p.Val421Leu)

Gene: UNC80 (unc-80 subunit of NALCN channel complex; plus strand). Cytogenetic location: 2q34.
Variant type: single nucleotide variant.
Coding change: c.1261G>C on transcript NM_001371986.1 (MANE Select); coding-DNA position 1261, G replaced by C.
Protein change: p.Val421Leu; replaces valine 421 with leucine.
Molecular consequence: missense variant.
Genome position (GRCh38, 1-based): chr2:209,815,317, G>C. VCF-style: chr2-209815317-G-C. GRCh37 (hg19) VCF-style: chr2-210680041-G-C.
Other names: c.1261G>C, p.Val421Leu (NM_032504.2, NM_182587.4); c.1261G>C (NM_032504.1); short protein forms V421L.
Identifiers: ClinVar variation 1434558 (VCV001434558.7), dbSNP rs778162811, ClinGen allele CA2082917.
Genomic context (GRCh38, chr2:209,815,317, plus strand): 5'-GATCTCACCATGAAGTGTAACGAGGAGGAAAAATCTCTTAGCTCTGAGGCCTTTTCCAAG[G>C]TTTCACTGACCAATCTGCGTAGATCTGCAGTCCCAGATCTTTCTTCAGACCTGGGCATGA-3'
Protein context (NP_001358915.1, residues 411-431): KSLSSEAFSK[Val421Leu]SLTNLRRSAV